The following is an entry in ClinVar:

NM_003060.4(SLC22A5):c.869T>G (p.Phe290Cys)

Gene: SLC22A5 (solute carrier family 22 member 5; plus strand). Cytogenetic location: 5q31.1.
Variant type: single nucleotide variant.
Coding change: c.869T>G on transcript NM_003060.4 (MANE Select); coding-DNA position 869, T replaced by G.
Protein change: p.Phe290Cys; replaces phenylalanine 290 with cysteine.
Molecular consequence: missense variant.
Genome position (GRCh38, 1-based): chr5:132,387,069, T>G. VCF-style: chr5-132387069-T-G. GRCh37 (hg19) VCF-style: chr5-131722761-T-G.
Other names: c.941T>G, p.Phe314Cys (NM_001308122.2); short protein forms F290C, F314C.
Identifiers: ClinVar variation 1695706 (VCV001695706.2), dbSNP rs1050403148, ClinGen allele CA127210487.

ClinVar aggregate classification (germline): Uncertain significance (1 of 4 stars; one submission).

Allele frequency attached by ClinVar (database versions not stated): gnomAD exomes below 0.00001; gnomAD 0.00001; TOPMed 0.00001.
gnomAD v4.1: 9 of 1,614,014 alleles (0.00056%); highest among the groups gnomAD compares: Non-Finnish European, 0.00068%; no homozygotes.

Submission:

GeneDx
Classification: Uncertain significance. Last evaluated: 2022-01-07. Review status: criteria provided, single submitter. Criteria: GeneDx Variant Classification Process June 2021. Collection method: clinical testing. Allele origin: germline. Affected: yes.
Comment: Not observed at significant frequency in large population cohorts (gnomAD); In silico analysis supports that this missense variant has a deleterious effect on protein structure/function; Has not been previously published as pathogenic or benign to our knowledge